The following is an entry in ClinVar:

ClinVar aggregate classification (germline): Conflicting classifications of pathogenicity. Review status: criteria provided, conflicting classifications (1 of 4 stars). 6 submissions from 6 submitters: Pathogenic (3); Likely pathogenic (1); Uncertain significance (1). 1 of the submissions does not count toward it. Last evaluated 2025-07-08.

Conditions:
Joubert syndrome and related disorders. Identifiers: Orphanet 140874, MedGen C5679612, MONDO:0015369.
Joubert syndrome 20 (JBTS20). Identifiers: Orphanet 475, MedGen C3554235, MONDO:0013994, OMIM 614970.
Meckel syndrome, type 11 (MKS11). Identifiers: Orphanet 564, MedGen C3809352, MONDO:0014164, OMIM 615397.
TMEM231-related disorder. Also called: TMEM231-related condition.

Allele frequency attached by ClinVar (database versions not stated): gnomAD 0.00005; gnomAD exomes 0.00005 and 0.00007; ExAC 0.00006; TOPMed 0.00006.
gnomAD v4.1: 78 of 1,613,500 alleles (0.0048%); highest among the groups gnomAD compares: African/African-American, 0.0093%; no homozygotes.

Submissions (6):

Labcorp Genetics (formerly Invitae), Labcorp
Classification: Pathogenic for Joubert syndrome 20; Meckel syndrome, type 11. Last evaluated: 2025-07-08. Review status: criteria provided, single submitter. Criteria: Invitae Variant Classification Sherloc (09022015). Collection method: clinical testing. Allele origin: germline.
Comment: This sequence change falls in intron 4 of the TMEM231 gene. It does not directly change the encoded amino acid sequence of the TMEM231 protein. RNA analysis indicates that this variant induces altered splicing and may result in an absent or altered protein product. This variant is present in population databases (rs760426025, gnomAD 0.02%). This variant has been observed in individual(s) with Meckel syndrome (PMID: 25869670). In at least one individual the data is consistent with being in trans (on the opposite chromosome) from a pathogenic variant. ClinVar contains an entry for this variant (Variation ID: 437009). Variants that disrupt the consensus splice site are a relatively common cause of aberrant splicing (PMID: 17576681, 9536098). Studies have shown that this variant results in altered splicing, and produces a non-functional protein and/or introduces a premature termination codon (PMID: 25869670). For these reasons, this variant has been classified as Pathogenic.

Genomic Medicine Center of Excellence, King Faisal Specialist Hospital and Research Centre
Classification: Uncertain significance for Joubert syndrome 20. Last evaluated: 2024-03-26. Review status: criteria provided, single submitter. Criteria: ACMG Guidelines, 2015. Collection method: clinical testing. Allele origin: germline.

Women's Health and Genetics/Laboratory Corporation of America, LabCorp
Classification: Pathogenic for Joubert syndrome and related disorders. Last evaluated: 2023-12-15. Review status: criteria provided, single submitter. Criteria: LabCorp Variant Classification Summary - May 2015. Collection method: clinical testing. Allele origin: germline.
Comment: Variant summary: TMEM231 c.823+4A>G, also referred to as c.664+4A>G, alters a conserved nucleotide located close to a canonical splice site and therefore could affect mRNA splicing, leading to a significantly altered protein sequence. Several computational tools predict a significant impact on normal splicing: Four predict the variant weakens the canonical 5' donor site. At least one publication reports experimental evidence that this variant indeed affects mRNA splicing and results in a frameshift leading to a premature truncation that is expected to undergo nonsense mediated decay (Roberson_2015). The variant allele was found at a frequency of 6.8e-05 in 249240 control chromosomes (gnomAD). This frequency is not significantly higher than estimated for a pathogenic variant in TMEM231 causing Joubert Syndrome And Related Disorders (6.8e-05 vs 0.0004), allowing no conclusion about variant significance. c.823+4A>G has been reported in the literature as a biallelic genotype in multiple individuals affected with Meckel Syndrome from several different families (Roberson_2015). These data indicate that the variant is very likely to be associated with disease. The following publication has been ascertained in the context of this evaluation (PMID: 25869670). Three submitters have cited clinical-significance assessments for this variant to ClinVar after 2014. All submitters classified the variant as pathogenic/likely pathogenic. Based on the evidence outlined above, the variant was classified as pathogenic.

Revvity Omics, Revvity
Classification: Likely pathogenic. Last evaluated: 2022-08-24. Review status: criteria provided, single submitter. Criteria: ACMG Guidelines, 2015. Collection method: clinical testing. Allele origin: germline.

Genetic Services Laboratory, University of Chicago
Classification: Pathogenic for Meckel syndrome 11. Last evaluated: 2016-01-08. Review status: criteria provided, single submitter. Criteria: ACMG Guidelines, 2015. Collection method: clinical testing. Allele origin: germline. Affected: yes.

PreventionGenetics, part of Exact Sciences
Classification: Likely pathogenic for TMEM231-related condition. Last evaluated: 2024-07-17. Review status: no assertion criteria provided. Collection method: clinical testing. Allele origin: germline. Not counted in ClinVar's aggregate classification.
Comment: The TMEM231 c.823+4A>G variant is predicted to interfere with splicing. This variant was reported in individual with Meckel syndrome (Roberson et al 2015. PubMed ID: 25869670) and in an individual with inherited retinal disease (Supplementary table 1; Weisschuh et al 2024. PubMed ID: 37734845). On an alternate transcript of the gene, this variant is referred to as c.664+4A>G ( NM_001077418). This variant is predicted to alter splicing based on available splicing prediction programs (SpliceAI, Jaganathan et al. 2019. PubMed ID: 30661751); splicing variants in TMEM231 are expected to be pathogenic. This variant is reported in 0.019% of alleles in individuals of Ashkenazi Jewish descent in gnomAD. This variant is interpreted as likely pathogenic.

Literature cited by the submitters: PubMed 25869670 (cited by Labcorp Genetics (formerly Invitae), Labcorp and Women's Health and Genetics/Laboratory Corporation of America, LabCorp); PubMed 17576681 (cited by Labcorp Genetics (formerly Invitae), Labcorp); PubMed 9536098 (cited by Labcorp Genetics (formerly Invitae), Labcorp).

NM_001077418.3(TMEM231):c.664+4A>G

Gene: TMEM231 (transmembrane protein 231; minus strand). Cytogenetic location: 16q23.1.
Variant type: single nucleotide variant.
Coding change: c.664+4A>G on transcript NM_001077418.3 (MANE Select); 4 bases into the intron after coding-DNA position 664, A replaced by G.
Molecular consequence: intron variant.
Genome position (GRCh38, 1-based): chr16:75,542,598, T>C on the plus strand (A>G on the coding strand, the complement: TMEM231 is on the minus strand). VCF-style: chr16-75542598-T-C. GRCh37 (hg19) VCF-style: chr16-75576496-T-C.
Other names: c.823+4A>G (NM_001077416.2).
Identifiers: ClinVar variation 437009 (VCV000437009.15), dbSNP rs760426025, ClinGen allele CA8176100.
Genomic context (GRCh38, chr16:75,542,598, plus strand): 5'-CTGTTGCCCCCACTAACCTTGAAAGTCCTGAGCAGCGGCTGAATGGGCTCTACCTGTGAC[T>C]CACCGTTCCTCTCCTGGTAGGCAGCAACAATATGGGTGAGGTCGTAGTCATAGGCAAAGG-3'